The following is an entry in ClinVar:

ClinVar aggregate classification (germline): Uncertain significance (1 of 4 stars; one submission).

Submission:

Ambry Genetics
Classification: Uncertain significance. Last evaluated: 2017-09-21. Review status: criteria provided, single submitter. Criteria: Ambry Variant Classification Scheme 2023. Collection method: clinical testing. Allele origin: germline.
Comment: The p.G393R variant (also known as c.1177G>C), located in coding exon 13 of the KATNAL2 gene, results from a G to C substitution at nucleotide position 1177. The glycine at codon 393 is replaced by arginine, an amino acid with dissimilar properties. This amino acid position is highly conserved in available vertebrate species. In addition, this alteration is predicted to be deleterious by in silico analysis. Since supporting evidence is limited at this time, the clinical significance of this alteration remains unclear.

NM_001387690.1(KATNAL2):c.1393G>C (p.Gly465Arg)

Gene: KATNAL2 (katanin catalytic subunit A1 like 2; plus strand). Cytogenetic location: 18q21.1.
Variant type: single nucleotide variant.
Coding change: c.1393G>C on transcript NM_001387690.1 (MANE Select); coding-DNA position 1393, G replaced by C.
Protein change: p.Gly465Arg; replaces glycine 465 with arginine.
Molecular consequence: missense variant. On other transcripts: non-coding transcript variant (1).
Genome position (GRCh38, 1-based): chr18:47,100,272, G>C. VCF-style: chr18-47100272-G-C. GRCh37 (hg19) VCF-style: chr18-44626643-G-C.
Other names: c.1471G>C, p.Gly491Arg (NM_001353899.1); c.1468G>C, p.Gly490Arg (NM_001353900.1); c.1060G>C, p.Gly354Arg (NM_001353903.1); c.961G>C, p.Gly321Arg (NM_001353904.1); c.1393G>C, p.Gly465Arg (NM_001367621.1); c.1177G>C, p.Gly393Arg (NM_031303.3); short protein forms G393R, G490R, G354R, G321R, G465R, G491R.
Identifiers: ClinVar variation 1741097 (VCV001741097.2), dbSNP rs1458259764, ClinGen allele CA402393412.